The following is an entry in ClinVar:

NM_004239.4(TRIP11):c.2542A>G (p.Ile848Val)

Gene: TRIP11 (thyroid hormone receptor interactor 11; minus strand). Cytogenetic location: 14q32.12.
Variant type: single nucleotide variant.
Coding change: c.2542A>G on transcript NM_004239.4 (MANE Select); coding-DNA position 2542, A replaced by G.
Protein change: p.Ile848Val; replaces isoleucine 848 with valine.
Molecular consequence: missense variant.
Genome position (GRCh38, 1-based): chr14:92,005,434, T>C on the plus strand (A>G on the coding strand, the complement: TRIP11 is on the minus strand). VCF-style: chr14-92005434-T-C. GRCh37 (hg19) VCF-style: chr14-92471778-T-C.
Other names: c.2539A>G, p.Ile847Val (NM_001321851.1); short protein forms I847V, I848V.
Identifiers: ClinVar variation 2145702 (VCV002145702.2), dbSNP rs913502303, ClinGen allele CA265611517.

ClinVar aggregate classification (germline): Uncertain significance (1 of 4 stars; one submission).

Conditions:
Achondrogenesis, type IA (ACG1A). Identifiers: Orphanet 932, Orphanet 93299, MedGen C0265273, MONDO:0008701, OMIM 200600.

Allele frequency attached by ClinVar (database versions not stated): TOPMed below 0.00001; gnomAD 0.00001; gnomAD exomes 0.00001.

Submission:

Labcorp Genetics (formerly Invitae), Labcorp
Classification: Uncertain significance for Achondrogenesis, type IA. Last evaluated: 2022-06-18. Review status: criteria provided, single submitter. Criteria: Invitae Variant Classification Sherloc (09022015). Collection method: clinical testing. Allele origin: germline.
Comment: In summary, the available evidence is currently insufficient to determine the role of this variant in disease. Therefore, it has been classified as a Variant of Uncertain Significance. Algorithms developed to predict the effect of missense changes on protein structure and function output the following: SIFT: "Not Available"; PolyPhen-2: "Benign"; Align-GVGD: "Not Available". The valine amino acid residue is found in multiple mammalian species, which suggests that this missense change does not adversely affect protein function. This variant has not been reported in the literature in individuals affected with TRIP11-related conditions. This variant is present in population databases (no rsID available, gnomAD 0.002%). This sequence change replaces isoleucine, which is neutral and non-polar, with valine, which is neutral and non-polar, at codon 848 of the TRIP11 protein (p.Ile848Val).